The following is an entry in ClinVar:

ClinVar aggregate classification (germline): Conflicting classifications of pathogenicity. Review status: criteria provided, conflicting classifications (1 of 4 stars). 3 submissions from 3 submitters: Likely pathogenic (2); Uncertain significance (1). Last evaluated 2024-06-13.

Conditions:
Neuropathy, hereditary sensory and autonomic, type 2A (HSAN2A). Also called: MORVAN DISEASE; NEUROPATHY, CONGENITAL SENSORY; NEUROPATHY, HEREDITARY SENSORY RADICULAR, AUTOSOMAL RECESSIVE; NEUROPATHY, HEREDITARY SENSORY, TYPE IIA; NEUROPATHY, PROGRESSIVE SENSORY, OF CHILDREN; ACROOSTEOLYSIS, GIACCAI TYPE. Identifiers: Orphanet 970, MedGen C2752089, MONDO:0024309, OMIM 201300.
Pseudohypoaldosteronism type 2C (PHA2C). Also called: Pseudohypoaldosteronism Type IIC. Identifiers: Orphanet 757, Orphanet 88940, MedGen C1840391, MONDO:0013778, OMIM 614492.
Inborn genetic diseases. Identifiers: MedGen C0950123, MeSH D030342.

Allele frequency attached by ClinVar (database versions not stated): gnomAD exomes below 0.00001; TOPMed below 0.00001.
gnomAD v4.1: 1 of 1,613,480 alleles (0.000062%); highest among the groups gnomAD compares: Admixed American, 0.0017%; no homozygotes.

Submissions (3):

Labcorp Genetics (formerly Invitae), Labcorp
Classification: Likely pathogenic for Neuropathy, hereditary sensory and autonomic, type 2A; Pseudohypoaldosteronism type 2C. Last evaluated: 2024-06-13. Review status: criteria provided, single submitter. Criteria: Invitae Variant Classification Sherloc (09022015). Collection method: clinical testing. Allele origin: germline.
Comment: This sequence change affects a donor splice site in intron 21 of the WNK1 gene. It is expected to disrupt RNA splicing. Variants that disrupt the donor or acceptor splice site typically lead to a loss of protein function (PMID: 16199547), and loss-of-function variants in WNK1 are known to be pathogenic (PMID: 22910560). This variant is not present in population databases (gnomAD no frequency). This variant has not been reported in the literature in individuals affected with WNK1-related conditions. ClinVar contains an entry for this variant (Variation ID: 1752186). Algorithms developed to predict the effect of sequence changes on RNA splicing suggest that this variant may disrupt the consensus splice site. In summary, the currently available evidence indicates that the variant is pathogenic, but additional data are needed to prove that conclusively. Therefore, this variant has been classified as Likely Pathogenic.

Fulgent Genetics
Classification: Likely pathogenic for Neuropathy, hereditary sensory and autonomic, type 2A; Pseudohypoaldosteronism type 2C. Last evaluated: 2024-05-21. Review status: criteria provided, single submitter. Criteria: ACMG Guidelines, 2015. Collection method: clinical testing. Allele origin: germline.

Ambry Genetics
Classification: Uncertain significance for Inborn genetic diseases. Last evaluated: 2022-01-20. Review status: criteria provided, single submitter. Criteria: Ambry Variant Classification Scheme 2023. Collection method: clinical testing. Allele origin: germline.
Comment: The c.6204+1G>T intronic variant results from a G to T substitution one nucleotide after coding exon 21 of the WNK1 gene. Alterations that disrupt the canonical splice site are expected to cause aberrant splicing. In silico splice site analysis predicts that this alteration will weaken the native splice donor site. The resulting transcript is predicted to be in-frame and is not expected to trigger nonsense-mediated mRNA decay; however, direct evidence is unavailable. The exact functional effect of the altered amino acid sequence is unknown. This nucleotide position is highly conserved in available vertebrate species. Since supporting evidence is limited at this time, the clinical significance of this alteration remains unclear.

Literature cited by the submitters: PubMed 16199547 (cited by Labcorp Genetics (formerly Invitae), Labcorp); PubMed 22910560 (cited by Labcorp Genetics (formerly Invitae), Labcorp).

NM_018979.4(WNK1):c.5448+1G>T

Gene: WNK1 (WNK lysine deficient protein kinase 1; plus strand). Cytogenetic location: 12p13.33.
Variant type: single nucleotide variant.
Coding change: c.5448+1G>T on transcript NM_018979.4 (MANE Select); the canonical splice donor site of the intron after coding-DNA position 5448, G replaced by T.
Molecular consequence: splice donor variant.
Genome position (GRCh38, 1-based): chr12:889,224, G>T. VCF-style: chr12-889224-G-T. GRCh37 (hg19) VCF-style: chr12-998390-G-T.
Other names: c.6204+1G>T (NM_213655.5); c.6228+1G>T (NM_001184985.2); c.4707+1G>T (NM_014823.3).
Identifiers: ClinVar variation 1752186 (VCV001752186.5), dbSNP rs1953966878, ClinGen allele CA383333348.
Genomic context (GRCh38, chr12:889,224, plus strand): 5'-GATGCTCAATTGAGAAGAACACTTAGTCCAGAGATGATCACAGTGACTTCTGCGGTTGGT[G>T]TAAGTTTTGAAAATCTTGATAAAATCTCCTCATAACCCTAATATATTATATGCCTGGGAC-3'